The following is an entry in ClinVar:

NM_000426.4(LAMA2):c.3928G>T (p.Glu1310Ter)

Gene: LAMA2 (laminin subunit alpha 2; plus strand). Cytogenetic location: 6q22.33.
Variant type: single nucleotide variant.
Coding change: c.3928G>T on transcript NM_000426.4 (MANE Select); coding-DNA position 3928, G replaced by T.
Protein change: p.Glu1310Ter; replaces glutamic acid 1310 with a stop codon.
Molecular consequence: nonsense.
Genome position (GRCh38, 1-based): chr6:129,316,041, G>T. VCF-style: chr6-129316041-G-T. GRCh37 (hg19) VCF-style: chr6-129637186-G-T.
Other names: c.3928G>T, p.Glu1310Ter (NM_001079823.2); short protein forms E1310*.
Identifiers: ClinVar variation 948070 (VCV000948070.12), dbSNP rs755643402, ClinGen allele CA365613593.

ClinVar aggregate classification (germline): Pathogenic. Review status: criteria provided, multiple submitters, no conflicts (2 of 4 stars). 4 submissions from 4 submitters: Pathogenic (4). Last evaluated 2025-05-14.

Conditions:
LAMA2-related muscular dystrophy (LAMA2-RD). Also called: Laminin alpha 2-related dystrophy. Identifiers: MedGen C5679788, MONDO:0100228.
Merosin deficient congenital muscular dystrophy (MDC1A). Also called: Congenital merosin-deficient muscular dystrophy 1A; Congenital Muscular Dystrophy Type 1A (MDC1A). Identifiers: Orphanet 258, MedGen C1263858, MONDO:0011925, OMIM 607855.

gnomAD v4.1: 2 of 1,614,080 alleles (0.00012%); highest among the groups gnomAD compares: South Asian, 0.0011%; no homozygotes.

Submissions (4):

Myriad Genetics, Inc.
Classification: Pathogenic for LAMA2-related muscular dystrophy. Last evaluated: 2025-05-14. Review status: criteria provided, single submitter. Criteria: Myriad Autosomal Dominant, Autosomal Recessive and X-Linked Classification Criteria (2023). Collection method: clinical testing. Allele origin: unknown.
Comment: NM_000426.3(LAMA2):c.3928G>T(E1310*) is expected to be pathogenic in the context of muscular dystrophy, LAMA2-related. This variant is predicted to lead to an abnormal or absent protein product due to the creation of a premature termination codon in LAMA2, a gene where loss-of-function variants are known to be pathogenic. Please note: this variant was assessed in the context of healthy population screening.

Servicio de Genética Del Instituto Nacional de Salud Del Niño, Ministerio de Salud
Classification: Pathogenic for LAMA2-related muscular dystrophy. Last evaluated: 2024-11-18. Review status: criteria provided, single submitter. Criteria: ACMG Guidelines, 2015. Collection method: clinical testing. Allele origin: germline. Inheritance: Autosomal recessive inheritance. Affected: yes.
Comment: The variant NM_000426.4:c.3928G>T (p.Glu1310)* introduces a premature stop codon at codon 1310, which is predicted to result in a truncated protein or nonsense-mediated decay (NMD). According to ACMG/AMP guidelines, this variant meets the criteria for PVS1, PM2, and PP5, supporting its classification as pathogenic

Baylor Genetics
Classification: Pathogenic for Merosin deficient congenital muscular dystrophy. Last evaluated: 2024-01-23. Review status: criteria provided, single submitter. Criteria: ACMG Guidelines, 2015. Collection method: clinical testing. Allele origin: unknown.

Labcorp Genetics (formerly Invitae), Labcorp
Classification: Pathogenic for LAMA2-related muscular dystrophy. Last evaluated: 2019-06-14. Review status: criteria provided, single submitter. Criteria: Invitae Variant Classification Sherloc (09022015). Collection method: clinical testing. Allele origin: germline.
Comment: For these reasons, this variant has been classified as Pathogenic. Loss-of-function variants in LAMA2 are known to be pathogenic (PMID: 18700894). This variant has not been reported in the literature in individuals with LAMA2-related conditions. This variant is not present in population databases (ExAC no frequency). This sequence change creates a premature translational stop signal (p.Glu1310*) in the LAMA2 gene. It is expected to result in an absent or disrupted protein product.

Literature cited by the submitters: PubMed 18700894 (cited by Labcorp Genetics (formerly Invitae), Labcorp).